The following is an entry in ClinVar:

ClinVar aggregate classification (germline): Uncertain significance (1 of 4 stars; one submission).

Conditions:
Duchenne muscular dystrophy (DMD). Also called: Duchenne Muscular Dystrophy (DMD); MUSCULAR DYSTROPHY, PSEUDOHYPERTROPHIC PROGRESSIVE, DUCHENNE TYPE. Identifiers: Orphanet 98896, MedGen C0013264, MONDO:0010679, OMIM 310200.

Submission:

Labcorp Genetics (formerly Invitae), Labcorp
Classification: Uncertain significance for Duchenne muscular dystrophy. Last evaluated: 2022-05-03. Review status: criteria provided, single submitter. Criteria: Invitae Variant Classification Sherloc (09022015). Collection method: clinical testing. Allele origin: germline.
Comment: In summary, the available evidence is currently insufficient to determine the role of this variant in disease. Therefore, it has been classified as a Variant of Uncertain Significance. Algorithms developed to predict the effect of missense changes on protein structure and function are either unavailable or do not agree on the potential impact of this missense change (SIFT: "Tolerated"; PolyPhen-2: "Possibly Damaging"; Align-GVGD: "Class C0"). This variant has not been reported in the literature in individuals affected with DMD-related conditions. This variant is not present in population databases (gnomAD no frequency). This sequence change replaces aspartic acid, which is acidic and polar, with glutamic acid, which is acidic and polar, at codon 538 of the DMD protein (p.Asp538Glu).

NM_004006.3(DMD):c.1614T>A (p.Asp538Glu)

Gene: DMD (dystrophin; minus strand). Cytogenetic location: Xp21.1.
Variant type: single nucleotide variant.
Coding change: c.1614T>A on transcript NM_004006.3 (MANE Select); coding-DNA position 1614, T replaced by A.
Protein change: p.Asp538Glu; replaces aspartic acid 538 with glutamic acid.
Molecular consequence: missense variant.
Genome position (GRCh38, 1-based): chrX:32,573,835, A>T on the plus strand (T>A on the coding strand, the complement: DMD is on the minus strand). VCF-style: chrX-32573835-A-T. GRCh37 (hg19) VCF-style: chrX-32591952-A-T.
Other names: c.1590T>A, p.Asp530Glu (NM_000109.4); c.1602T>A, p.Asp534Glu (NM_004009.3); c.1245T>A, p.Asp415Glu (NM_004010.3); short protein forms D530E, D538E, D415E, D534E.
Identifiers: ClinVar variation 1499547 (VCV001499547.8), dbSNP rs1430002641, ClinGen allele CA412673514.